The following is an entry in ClinVar:

ClinVar aggregate classification (germline): Likely benign (0 of 4 stars; one submission).

Conditions:
NF1-related disorder. Also called: NF1-related condition. Identifiers: MedGen CN379171.

gnomAD v4.1: 1 of 1,484,730 alleles (0.000067%); no homozygotes.

Submission:

PreventionGenetics, part of Exact Sciences
Classification: Likely benign for NF1-related condition. Last evaluated: 2021-03-08. Review status: no assertion criteria provided. Collection method: clinical testing. Allele origin: germline.
Comment: This variant is classified as likely benign based on ACMG/AMP sequence variant interpretation guidelines (Richards et al. 2015 PMID: 25741868, with internal and published modifications).

NM_001042492.3(NF1):c.1721+69A>G

Gene: NF1 (neurofibromin 1; plus strand). Cytogenetic location: 17q11.2.
Variant type: single nucleotide variant.
Coding change: c.1721+69A>G on transcript NM_001042492.3 (MANE Select); 69 bases into the intron after coding-DNA position 1721, A replaced by G.
Molecular consequence: intron variant. On other transcripts: 3 prime UTR variant (1).
Genome position (GRCh38, 1-based): chr17:31,221,998, A>G. VCF-style: chr17-31221998-A-G. GRCh37 (hg19) VCF-style: chr17-29549016-A-G.
Other names: c.*8A>G (NM_001128147.3); c.1721+69A>G (NM_000267.4).
Identifiers: ClinVar variation 3029987 (VCV003029987.2), dbSNP rs767159641, ClinGen allele CA2592637485.
Genomic context (GRCh38, chr17:31,221,998, plus strand): 5'-ACTTTTATTTTTTAAATTCAACTTTTAAATTTTATTTTGTATTTTTGTCTTGAAATATTA[A>G]CTCTGTAGTACTTAGTACATTGTAAAACTTACACTTCCAAAGGTTTTATGGTTTTGTATT-3'